The following is an entry in ClinVar:

ClinVar aggregate classification (germline): Uncertain significance (1 of 4 stars; one submission).

Submission:

GeneDx
Classification: Uncertain significance. Last evaluated: 2025-01-26. Review status: criteria provided, single submitter. Criteria: GeneDx Variant Classification Process June 2021. Collection method: clinical testing. Allele origin: germline. Affected: yes.
Comment: Not observed at significant frequency in large population cohorts (gnomAD); In silico analysis indicates that this missense variant does not alter protein structure/function; Has not been previously published as pathogenic or benign to our knowledge

NM_138576.4(BCL11B):c.2033G>T (p.Ser678Ile)

Gene: BCL11B (BCL11 transcription factor B; minus strand). Cytogenetic location: 14q32.2.
Variant type: single nucleotide variant.
Coding change: c.2033G>T on transcript NM_138576.4 (MANE Select); coding-DNA position 2033, G replaced by T.
Protein change: p.Ser678Ile; replaces serine 678 with isoleucine.
Molecular consequence: missense variant.
Genome position (GRCh38, 1-based): chr14:99,174,803, C>A on the plus strand (G>T on the coding strand, the complement: BCL11B is on the minus strand). VCF-style: chr14-99174803-C-A. GRCh37 (hg19) VCF-style: chr14-99641140-C-A.
Other names: c.2030G>T, p.Ser677Ile (NM_001282237.2); c.1817G>T, p.Ser606Ile (NM_001282238.2); c.1820G>T, p.Ser607Ile (NM_022898.3); short protein forms S606I, S607I, S677I, S678I.
Identifiers: ClinVar variation 4071884 (VCV004071884.1).